The following is an entry in ClinVar:

ClinVar aggregate classification (germline): Uncertain significance (1 of 4 stars; one submission).

Conditions:
POLR3B-related disorder. Also called: POLR3B-related condition; POLR3B-related disorders. Identifiers: MedGen CN378588, MONDO:0700277.

gnomAD v4.1: 1 of 1,613,946 alleles (0.000062%); highest among the groups gnomAD compares: Non-Finnish European, 0.000085%; no homozygotes.

Submission:

PreventionGenetics, part of Exact Sciences
Classification: Uncertain significance for POLR3B-related condition. Last evaluated: 2025-11-07. Review status: criteria provided, single submitter. Criteria: ACMG Guidelines, 2015. Collection method: clinical testing. Allele origin: germline.
Comment: The POLR3B c.1298G>A variant is predicted to result in the amino acid substitution p.Arg433His. To our knowledge, this variant has not been reported in the literature or in a large population database (gnomAD), indicating it is rare. A different missense variant affecting the same residue (p.Arg433Gly) was reported de novo in an individual with a POLR3B-related phenotype, indicating that this amino acid may be critical for function (Colona et al. 2023. PubMed ID: 38002527). At this time, the clinical significance of the c.1298G>A (p.Arg433His) variant is uncertain due to the absence of conclusive functional and genetic evidence.

NM_018082.6(POLR3B):c.1298G>A (p.Arg433His)

Gene: POLR3B (RNA polymerase III subunit B; plus strand). Cytogenetic location: 12q23.3.
Variant type: single nucleotide variant.
Coding change: c.1298G>A on transcript NM_018082.6 (MANE Select); coding-DNA position 1298, G replaced by A.
Protein change: p.Arg433His; replaces arginine 433 with histidine.
Molecular consequence: missense variant.
Genome position (GRCh38, 1-based): chr12:106,430,307, G>A. VCF-style: chr12-106430307-G-A. GRCh37 (hg19) VCF-style: chr12-106824085-G-A.
Other names: c.1124G>A, p.Arg375His (NM_001160708.2); short protein forms R375H, R433H.
Identifiers: ClinVar variation 5002175 (VCV005002175.1).